The following is an entry in ClinVar:

NM_001009944.3(PKD1):c.11586dup (p.Leu3863fs)

Genes: PKD1 (polycystin 1, transient receptor potential channel interacting; minus strand), PKD1-AS1 (PKD1 antisense RNA 1; plus strand). Cytogenetic location: 16p13.3.
Variant type: Duplication.
Coding change: c.11586dup on transcript NM_001009944.3 (MANE Select); coding-DNA position 11586, one base duplicated (G; older notation c.11586dupG).
Protein change: p.Leu3863fs; shifts the reading frame from leucine 3863.
Molecular consequence: frameshift variant. On other transcripts: non-coding transcript variant (1).
Genome position (GRCh38, 1-based): chr16:2,091,549, C duplicated on the plus strand (G on the coding strand, the reverse complement: PKD1 is on the minus strand); the first of 4 consecutive C bases (chr16:2,091,549-2,091,552); duplicating any one gives the same sequence. VCF-style (leftmost placement, unchanged base first): chr16-2091548-G-GC. GRCh37 (hg19) VCF-style: chr16-2141549-G-GC.
Other names: c.11583dup, p.Leu3862fs (NM_000296.4); short protein forms L3862fs, L3863fs.
Identifiers: ClinVar variation 3335883 (VCV003335883.2).
Genomic context (GRCh38, chr16:2,091,548, plus strand): 5'-GGGCGGCCAGGGCGCGGCCGGCCGCCGGGAACTCGAGGCGCAGCGTGACGGCGGCGTGCA[G>GC]CCCCACGGCCGGGCTGTAGCGCGTGAGCTCCAGGAACACAGCGCGGCTCCTGCGCAGAGG-3'

ClinVar aggregate classification (germline): Pathogenic (1 of 4 stars; one submission).

Conditions:
Polycystic kidney disease, adult type (PKD1). Also called: Polycystic Kidney, Autosomal Dominant; POLYCYSTIC KIDNEY DISEASE 1 WITH OR WITHOUT POLYCYSTIC LIVER DISEASE; POLYCYSTIC KIDNEY DISEASE, ADULT, TYPE I; Polycystic Kidney Disease 1, Autosomal Dominant; Polycystic kidney disease 1; Polycystic kidney disease 1, severe. Identifiers: MedGen C3149841, MONDO:0008263, OMIM 173900.

Submission:

Juno Genomics, Hangzhou Juno Genomics, Inc
Classification: Pathogenic for Polycystic kidney disease, adult type. Review status: criteria provided, single submitter. Criteria: ACMG Guidelines, 2015. Collection method: clinical testing. Allele origin: germline. Affected: yes.
Comment: Absent from controls (or at extremely low frequency if recessive) in Genome Aggregation Database, Exome Sequencing Project, 1000 Genomes Project, or Exome Aggregation Consortium.;Null variant in a gene where loss of function (LOF) is a known mechanism of disease.;Patient's phenotype or family history is highly specific for a disease with a single genetic etiology.